The following is an entry in ClinVar:

ClinVar aggregate classification (germline): Uncertain significance (1 of 4 stars; one submission).

gnomAD v4.1: 3 of 1,614,190 alleles (0.00019%); highest among the groups gnomAD compares: Non-Finnish European, 0.00025%; no homozygotes.

Submission:

Labcorp Genetics (formerly Invitae), Labcorp
Classification: Uncertain significance. Last evaluated: 2024-10-10. Review status: criteria provided, single submitter. Criteria: Invitae Variant Classification Sherloc (09022015). Collection method: clinical testing. Allele origin: germline.
Comment: This sequence change replaces asparagine, which is neutral and polar, with serine, which is neutral and polar, at codon 135 of the RORB protein (p.Asn135Ser). This variant is not present in population databases (gnomAD no frequency). This variant has not been reported in the literature in individuals affected with RORB-related conditions. An algorithm developed to predict the effect of missense changes on protein structure and function outputs the following: PolyPhen-2: "Benign". The serine amino acid residue is found in multiple mammalian species, which suggests that this missense change does not adversely affect protein function. In summary, the available evidence is currently insufficient to determine the role of this variant in disease. Therefore, it has been classified as a Variant of Uncertain Significance.

NM_006914.4(RORB):c.404A>G (p.Asn135Ser)

Gene: RORB (RAR related orphan receptor B; plus strand). Cytogenetic location: 9q21.13.
Variant type: single nucleotide variant.
Coding change: c.404A>G on transcript NM_006914.4 (MANE Select); coding-DNA position 404, A replaced by G.
Protein change: p.Asn135Ser; replaces asparagine 135 with serine.
Molecular consequence: missense variant.
Genome position (GRCh38, 1-based): chr9:74,642,582, A>G. VCF-style: chr9-74642582-A-G. GRCh37 (hg19) VCF-style: chr9-77257498-A-G.
Other names: c.437A>G, p.Asn146Ser (NM_001365023.1); short protein forms N135S, N146S.
Identifiers: ClinVar variation 3722610 (VCV003722610.2).